The following is an entry in ClinVar:

NM_006393.3(NEBL):c.1496T>G (p.Met499Arg)

Gene: NEBL (nebulette; minus strand). Cytogenetic location: 10p12.31.
Variant type: single nucleotide variant.
Coding change: c.1496T>G on transcript NM_006393.3 (MANE Select); coding-DNA position 1496, T replaced by G.
Protein change: p.Met499Arg; replaces methionine 499 with arginine.
Molecular consequence: missense variant. On other transcripts: intron variant (9).
Genome position (GRCh38, 1-based): chr10:20,831,537, A>C on the plus strand (T>G on the coding strand, the complement: NEBL is on the minus strand). VCF-style: chr10-20831537-A-C. GRCh37 (hg19) VCF-style: chr10-21120466-A-C.
Other names: c.250-18597T>G (NM_001377326.1, NM_001377327.1, NM_001377328.1); c.358-18597T>G (NM_213569.2, NM_001173484.2, NM_001377322.1); c.301-18597T>G (NM_001377324.1); c.292-18597T>G (NM_001377325.1); c.310-18597T>G (NM_001377323.1); short protein forms M499R.
Identifiers: ClinVar variation 179094 (VCV000179094.5), dbSNP rs727504620, ClinGen allele CA183710.

ClinVar aggregate classification (germline): Uncertain significance (1 of 4 stars; one submission).

Submission:

Laboratory for Molecular Medicine, Mass General Brigham Personalized Medicine
Classification: Uncertain significance. Last evaluated: 2013-07-17. Review status: criteria provided, single submitter. Criteria: LMM Criteria. Collection method: clinical testing. Allele origin: germline. Observed: 1 variant allele.
Comment: The Met499Arg variant in NEBL has not been reported in individuals with cardiomy opathy or in large population studies. Computational analyses (biochemical amino acid properties, conservation, AlignGVGD, PolyPhen2, and SIFT) do not provide s trong support for or against an impact to the protein. Additional information is needed to fully assess the clinical significance of this variant.